The following is an entry in ClinVar:

NM_004646.4(NPHS1):c.2024C>T (p.Ala675Val)

Gene: NPHS1 (NPHS1 adhesion molecule, nephrin; minus strand). Cytogenetic location: 19q13.12.
Variant type: single nucleotide variant.
Coding change: c.2024C>T on transcript NM_004646.4 (MANE Select); coding-DNA position 2024, C replaced by T.
Protein change: p.Ala675Val; replaces alanine 675 with valine.
Molecular consequence: missense variant.
Genome position (GRCh38, 1-based): chr19:35,844,366, G>A on the plus strand (C>T on the coding strand, the complement: NPHS1 is on the minus strand). VCF-style: chr19-35844366-G-A. GRCh37 (hg19) VCF-style: chr19-36335268-G-A.
Other names: short protein forms A675V.
Identifiers: ClinVar variation 1990071 (VCV001990071.1), dbSNP rs561195137, ClinGen allele CA307783451.

ClinVar aggregate classification (germline): Uncertain significance (1 of 4 stars; one submission).

Allele frequency attached by ClinVar (database versions not stated): TOPMed below 0.00001; gnomAD 0.00001.
gnomAD v4.1: 3 of 1,613,356 alleles (0.00019%); highest among the groups gnomAD compares: African/African-American, 0.0027%; no homozygotes.

Submission:

Labcorp Genetics (formerly Invitae), Labcorp
Classification: Uncertain significance. Last evaluated: 2021-12-20. Review status: criteria provided, single submitter. Criteria: Invitae Variant Classification Sherloc (09022015). Collection method: clinical testing. Allele origin: germline.
Comment: This sequence change replaces alanine, which is neutral and non-polar, with valine, which is neutral and non-polar, at codon 675 of the NPHS1 protein (p.Ala675Val). This variant is present in population databases (rs561195137, gnomAD 0.01%). This variant has not been reported in the literature in individuals affected with NPHS1-related conditions. Advanced modeling of protein sequence and biophysical properties (such as structural, functional, and spatial information, amino acid conservation, physicochemical variation, residue mobility, and thermodynamic stability) performed at Invitae indicates that this missense variant is not expected to disrupt NPHS1 protein function. In summary, the available evidence is currently insufficient to determine the role of this variant in disease. Therefore, it has been classified as a Variant of Uncertain Significance.